The following is an entry in ClinVar:

NM_052867.4(NALCN):c.3299A>T (p.Asn1100Ile)

Gene: NALCN (sodium leak channel, non-selective; minus strand). Cytogenetic location: 13q32.3.
Variant type: single nucleotide variant.
Coding change: c.3299A>T on transcript NM_052867.4 (MANE Select); coding-DNA position 3299, A replaced by T.
Protein change: p.Asn1100Ile; replaces asparagine 1100 with isoleucine.
Molecular consequence: missense variant.
Genome position (GRCh38, 1-based): chr13:101,089,937, T>A on the plus strand (A>T on the coding strand, the complement: NALCN is on the minus strand). VCF-style: chr13-101089937-T-A. GRCh37 (hg19) VCF-style: chr13-101742288-T-A.
Other names: c.3386A>T, p.Asn1129Ile (NM_001350748.2); c.3299A>T, p.Asn1100Ile (NM_001350749.2); c.3212A>T, p.Asn1071Ile (NM_001350750.2, NM_001350751.2); short protein forms N1071I, N1100I, N1129I.
Identifiers: ClinVar variation 4882889 (VCV004882889.2).

ClinVar aggregate classification (germline): Uncertain significance (1 of 4 stars; one submission).

Submission:

Dasa
Classification: Uncertain significance. Last evaluated: 2025-04-05. Review status: criteria provided, single submitter. Criteria: DASA Assertion Criteria. Collection method: clinical testing. Allele origin: germline.
Comment: NM_052867.4(NALCN):c.3299A>T (p.Asn1100Ile) is a missense variant that results in the substitution of asparagine with isoleucine. The affected residue or protein region has prior evidence supporting clinical relevance. This variant is absent from population databases. Computational prediction algorithms are consistent with a deleterious effect. The currently available literature and clinical evidence are not sufficient to establish a definitive association between this variant and the reported condition. Therefore, this variant is classified as a variant of uncertain significance.